The following is an entry in ClinVar:

NM_001282933.2(ZNF341):c.598C>G (p.Pro200Ala)

Gene: ZNF341 (zinc finger protein 341; plus strand). Cytogenetic location: 20q11.22.
Variant type: single nucleotide variant.
Coding change: c.598C>G on transcript NM_001282933.2 (MANE Select); coding-DNA position 598, C replaced by G.
Protein change: p.Pro200Ala; replaces proline 200 with alanine.
Molecular consequence: missense variant. On other transcripts: non-coding transcript variant (1).
Genome position (GRCh38, 1-based): chr20:33,753,280, C>G. VCF-style: chr20-33753280-C-G. GRCh37 (hg19) VCF-style: chr20-32341086-C-G.
Other names: c.328C>G, p.Pro110Ala (NM_001282935.2); c.598C>G, p.Pro200Ala (NM_032819.5); short protein forms P200A, P110A.
Identifiers: ClinVar variation 1434258 (VCV001434258.6), dbSNP rs144632926, ClinGen allele CA313336180.

ClinVar aggregate classification (germline): Uncertain significance (1 of 4 stars; one submission).

Allele frequency attached by ClinVar (database versions not stated): gnomAD exomes 0.00001 and 0.00002; gnomAD 0.00003; TOPMed 0.00003; ESP Exome Variant Server 0.00008.
gnomAD v4.1: 11 of 1,612,210 alleles (0.00068%); highest among the groups gnomAD compares: African/African-American, 0.0013%; no homozygotes.

Submission:

Labcorp Genetics (formerly Invitae), Labcorp
Classification: Uncertain significance. Last evaluated: 2023-06-16. Review status: criteria provided, single submitter. Criteria: Invitae Variant Classification Sherloc (09022015). Collection method: clinical testing. Allele origin: germline.
Comment: This sequence change replaces proline, which is neutral and non-polar, with alanine, which is neutral and non-polar, at codon 200 of the ZNF341 protein (p.Pro200Ala). This variant is present in population databases (rs144632926, gnomAD 0.004%). This variant has not been reported in the literature in individuals affected with ZNF341-related conditions. ClinVar contains an entry for this variant (Variation ID: 1434258). An algorithm developed to predict the effect of missense changes on protein structure and function (PolyPhen-2) suggests that this variant is likely to be disruptive. In summary, the available evidence is currently insufficient to determine the role of this variant in disease. Therefore, it has been classified as a Variant of Uncertain Significance.